The following is an entry in ClinVar:

ClinVar aggregate classification (germline): Likely benign. Review status: criteria provided, multiple submitters, no conflicts (2 of 4 stars). 5 submissions from 5 submitters: Likely benign (4). 1 of the submissions does not count toward it. Last evaluated 2025-08-01.

Conditions:
Rubinstein-Taybi syndrome (RSTS). Identifiers: Orphanet 783, MedGen C0035934, MONDO:0019188.
CREBBP-related disorder. Also called: CREBBP-related condition; CREBBP-related disorders.
Inborn genetic diseases. Identifiers: MedGen C0950123, MeSH D030342.

Allele frequency attached by ClinVar (database versions not stated): ExAC 0.00001; gnomAD 0.00001; gnomAD exomes 0.00003; TOPMed 0.00003.
gnomAD v4.1: 40 of 1,613,390 alleles (0.0025%); highest among the groups gnomAD compares: Non-Finnish European, 0.0031%; no homozygotes.

Submissions (5):

CeGaT Center for Human Genetics Tuebingen
Classification: Likely benign. Last evaluated: 2025-08-01. Review status: criteria provided, single submitter. Criteria: CeGaT Center For Human Genetics Tuebingen Variant Classification Criteria Version 2. Collection method: clinical testing. Allele origin: germline. Affected: yes. Observed: 2 variant alleles.
Comment: CREBBP: BP4, BP7

Labcorp Genetics (formerly Invitae), Labcorp
Classification: Likely benign for Rubinstein-Taybi syndrome. Last evaluated: 2025-07-31. Review status: criteria provided, single submitter. Criteria: Invitae Variant Classification Sherloc (09022015). Collection method: clinical testing. Allele origin: germline.

Blueprint Genetics
Classification: Likely benign. Last evaluated: 2024-03-06. Review status: criteria provided, single submitter. Criteria: ACMG Guidelines, 2015. Collection method: clinical testing. Allele origin: germline.

Ambry Genetics
Classification: Likely benign for Inborn genetic diseases. Last evaluated: 2017-06-23. Review status: criteria provided, single submitter. Criteria: Ambry Variant Classification Scheme 2023. Collection method: clinical testing. Allele origin: germline.

PreventionGenetics, part of Exact Sciences
Classification: Likely benign for CREBBP-related condition. Last evaluated: 2022-12-28. Review status: no assertion criteria provided. Collection method: clinical testing. Allele origin: germline. Not counted in ClinVar's aggregate classification.
Comment: This variant is classified as likely benign based on ACMG/AMP sequence variant interpretation guidelines (Richards et al. 2015 PMID: 25741868, with internal and published modifications).

NM_004380.3(CREBBP):c.6216G>A (p.Arg2072=)

Gene: CREBBP (CREB binding lysine acetyltransferase; minus strand). Cytogenetic location: 16p13.3.
Variant type: single nucleotide variant.
Coding change: c.6216G>A on transcript NM_004380.3 (MANE Select); coding-DNA position 6216, G replaced by A.
Protein change: p.Arg2072=; no amino-acid change (arginine 2072 retained).
Molecular consequence: synonymous variant.
Genome position (GRCh38, 1-based): chr16:3,728,831, C>T on the plus strand (G>A on the coding strand, the complement: CREBBP is on the minus strand). VCF-style: chr16-3728831-C-T. GRCh37 (hg19) VCF-style: chr16-3778832-C-T.
Other names: c.6102G>A, p.Arg2034= (NM_001079846.1).
Identifiers: ClinVar variation 1752238 (VCV001752238.27), dbSNP rs760416798, ClinGen allele CA7869157.